The following is an entry in ClinVar:

ClinVar aggregate classification (germline): Uncertain significance (1 of 4 stars; one submission).

Allele frequency attached by ClinVar (database versions not stated): gnomAD exomes below 0.00001.
gnomAD v4.1: 1 of 1,613,818 alleles (0.000062%); highest among the groups gnomAD compares: Non-Finnish European, 0.000085%; no homozygotes.

Submission:

Labcorp Genetics (formerly Invitae), Labcorp
Classification: Uncertain significance. Last evaluated: 2024-10-23. Review status: criteria provided, single submitter. Criteria: Invitae Variant Classification Sherloc (09022015). Collection method: clinical testing. Allele origin: germline.
Comment: This sequence change replaces alanine, which is neutral and non-polar, with glycine, which is neutral and non-polar, at codon 486 of the AGBL5 protein (p.Ala486Gly). This variant is not present in population databases (gnomAD no frequency). This variant has not been reported in the literature in individuals affected with AGBL5-related conditions. ClinVar contains an entry for this variant (Variation ID: 1024212). An algorithm developed to predict the effect of missense changes on protein structure and function (PolyPhen-2) suggests that this variant is likely to be disruptive. In summary, the available evidence is currently insufficient to determine the role of this variant in disease. Therefore, it has been classified as a Variant of Uncertain Significance.

NM_021831.6(AGBL5):c.1457C>G (p.Ala486Gly)

Gene: AGBL5 (AGBL carboxypeptidase 5; plus strand). Cytogenetic location: 2p23.3.
Variant type: single nucleotide variant.
Coding change: c.1457C>G on transcript NM_021831.6 (MANE Select); coding-DNA position 1457, C replaced by G.
Protein change: p.Ala486Gly; replaces alanine 486 with glycine.
Molecular consequence: missense variant. On other transcripts: non-coding transcript variant (2).
Genome position (GRCh38, 1-based): chr2:27,056,714, C>G. VCF-style: chr2-27056714-C-G. GRCh37 (hg19) VCF-style: chr2-27279582-C-G.
Other names: c.1457C>G, p.Ala486Gly (NM_001035507.3); short protein forms A486G.
Identifiers: ClinVar variation 1024212 (VCV001024212.8), dbSNP rs1668448156, ClinGen allele CA346182548.
Genomic context (GRCh38, chr2:27,056,714, plus strand): 5'-CCTTGAATTCAGCCCACTTCGACTTCCAGGGCTGCAATTTCTCAGAGAAGAATATGTATG[C>G]CCGAGACCGTAGAGATGGCCAGTCTAAAGAGGGAAGCGGCCGTGTTGCAATCTACAAAGC-3'
Protein context (NP_068603.4, residues 476-496): GCNFSEKNMY[Ala486Gly]RDRRDGQSKE